The following is an entry in ClinVar:

NM_053025.4(MYLK):c.2994C>G (p.Ser998Arg)

Gene: MYLK (myosin light chain kinase; minus strand). Cytogenetic location: 3q21.1.
Variant type: single nucleotide variant.
Coding change: c.2994C>G on transcript NM_053025.4 (MANE Select); coding-DNA position 2994, C replaced by G.
Protein change: p.Ser998Arg; replaces serine 998 with arginine.
Molecular consequence: missense variant.
Genome position (GRCh38, 1-based): chr3:123,700,474, G>C on the plus strand (C>G on the coding strand, the complement: MYLK is on the minus strand). VCF-style: chr3-123700474-G-C. GRCh37 (hg19) VCF-style: chr3-123419321-G-C.
Other names: c.2466C>G, p.Ser822Arg (NM_001321309.2); c.2787C>G, p.Ser929Arg (NM_053026.4, NM_053028.4); c.2994C>G, p.Ser998Arg (NM_053027.4); short protein forms S822R, S929R, S998R.
Identifiers: ClinVar variation 5025213 (VCV005025213.1).

ClinVar aggregate classification (germline): Uncertain significance (1 of 4 stars; one submission).

Conditions:
Familial thoracic aortic aneurysm and aortic dissection (TAAD). Also called: Thoracic aortic aneurysms and dissections. Identifiers: Orphanet 91387, MedGen C4707243, MONDO:0019625.

gnomAD v4.1: 1 of 1,607,964 alleles (0.000062%); highest among the groups gnomAD compares: Middle Eastern, 0.017%; no homozygotes.

Submission:

Ambry Genetics
Classification: Uncertain significance for Familial thoracic aortic aneurysm and aortic dissection. Last evaluated: 2026-08-22. Review status: criteria provided, single submitter. Criteria: Ambry Variant Classification Scheme 2023. Collection method: clinical testing. Allele origin: germline.
Comment: The p.S998R variant (also known as c.2994C>G), located in coding exon 15 of the MYLK gene, results from a C to G substitution at nucleotide position 2994. The serine at codon 998 is replaced by arginine, an amino acid with dissimilar properties. This amino acid position is conserved. In addition, this alteration is predicted to be tolerated by in silico analysis. Based on the available evidence, the clinical significance of this variant remains unclear.